The following is an entry in ClinVar:

NM_004360.5(CDH1):c.2461_2467del (p.Asp821fs)

Gene: CDH1 (cadherin 1; plus strand). Cytogenetic location: 16q22.1.
Variant type: Deletion.
Coding change: c.2461_2467del on transcript NM_004360.5 (MANE Select); coding-DNA positions 2461 to 2467, 7 bases deleted (GACCCCA; older notation c.2461_2467delGACCCCA).
Protein change: p.Asp821fs; shifts the reading frame from aspartic acid 821.
Molecular consequence: frameshift variant.
Genome position (GRCh38, 1-based): chr16:68,833,311-68,833,317, GACCCCA deleted. VCF-style (leftmost placement, unchanged base first): chr16-68833310-TGACCCCA-T. GRCh37 (hg19) VCF-style: chr16-68867213-TGACCCCA-T.
Other names: c.2278_2284del, p.Asp760fs (NM_001317184.2); c.913_919del, p.Asp305fs (NM_001317185.2); c.496_502del, p.Asp166fs (NM_001317186.2); short protein forms D166fs, D305fs, D760fs, D821fs.
Identifiers: ClinVar variation 2673912 (VCV002673912.1), dbSNP rs2543964259, ClinGen allele CA2695197670.

ClinVar aggregate classification (germline): Likely pathogenic (1 of 4 stars; one submission).

Conditions:
Hereditary diffuse gastric adenocarcinoma (HDGC). Also called: DIFFUSE GASTRIC AND LOBULAR BREAST CANCER SYNDROME. Identifiers: Orphanet 26106, MedGen C1708349, MONDO:0007648, OMIM 137215.

Submission:

Myriad Genetics, Inc.
Classification: Likely pathogenic for Hereditary diffuse gastric adenocarcinoma. Last evaluated: 2023-11-20. Review status: criteria provided, single submitter. Criteria: Myriad Autosomal Dominant, Autosomal Recessive and X-Linked Classification Criteria (2023). Collection method: clinical testing. Allele origin: unknown.
Comment: This variant is considered likely pathogenic. This variant creates a frameshift predicted to result in premature protein truncation.